The following is an entry in ClinVar:

NM_014727.3(KMT2B):c.4090del (p.Val1364fs)

Gene: KMT2B (lysine methyltransferase 2B; plus strand). Cytogenetic location: 19q13.12.
Variant type: Deletion.
Coding change: c.4090del on transcript NM_014727.3 (MANE Select); coding-DNA position 4090, one base deleted (G; older notation c.4090delG).
Protein change: p.Val1364fs; shifts the reading frame from valine 1364.
Molecular consequence: frameshift variant.
Genome position (GRCh38, 1-based): chr19:35,727,242, G deleted; the last of 3 consecutive G bases (chr19:35,727,240-35,727,242); deleting any one gives the same sequence. VCF-style (leftmost placement, unchanged base first): chr19-35727239-TG-T. GRCh37 (hg19) VCF-style: chr19-36218140-TG-T.
Other names: short protein forms V1364fs.
Identifiers: ClinVar variation 3381835 (VCV003381835.1).
Genomic context (GRCh38, chr19:35,727,239, plus strand): 5'-CGCTGCTATGAAGACAACGACTATGAGAGCAAGATGATGCAGTGCGCACAGTGCGATCAC[TG>T]GGTGCATGCCAAGTGCGAGGGGCTCTCAGGTGAGTCAGTGGAGCACCTGGGCTGCAGCCT-3'

ClinVar aggregate classification (germline): Pathogenic (1 of 4 stars; one submission).

Conditions:
Intellectual developmental disorder, autosomal dominant 68 (MRD68). Also called: MENTAL RETARDATION, AUTOSOMAL DOMINANT 68. Identifiers: MedGen C5677008, MONDO:0030969, OMIM 619934.
Dystonia 28, childhood-onset (DYT28). Also called: KMT2B-Related Dystonia (DYT-KMT2B). Identifiers: Orphanet 589618, MedGen C4310633, MONDO:0015004, OMIM 617284.

Submission:

Intergen Genetics and Rare Diseases Diagnosis Center
Classification: Pathogenic for Dystonia 28, childhood-onset; Intellectual developmental disorder, autosomal dominant 68. Last evaluated: 2024-11-21. Review status: criteria provided, single submitter. Criteria: ACMG Guidelines, 2015. Collection method: clinical testing. Allele origin: de novo. Inheritance: Autosomal dominant inheritance. Affected: yes.
Comment: PVS1, PM2. The result has been confirmed as "de novo" by NGS.